The following is an entry in ClinVar:

NM_002834.5(PTPN11):c.1529A>G (p.Gln510Arg)

Gene: PTPN11 (protein tyrosine phosphatase non-receptor type 11; plus strand). Cytogenetic location: 12q24.13.
Variant type: single nucleotide variant.
Coding change: c.1529A>G on transcript NM_002834.5 (MANE Select); coding-DNA position 1529, A replaced by G.
Protein change: p.Gln510Arg; replaces glutamine 510 with arginine.
Molecular consequence: missense variant.
Genome position (GRCh38, 1-based): chr12:112,489,105, A>G. VCF-style: chr12-112489105-A-G. GRCh37 (hg19) VCF-style: chr12-112926909-A-G.
Other names: c.1541A>G, p.Gln514Arg (NM_001330437.2); c.1526A>G, p.Gln509Arg (NM_001374625.1); short protein forms Q510R, Q514R, Q509R.
Identifiers: ClinVar variation 13345 (VCV000013345.75), dbSNP rs121918470, ClinGen allele CA256761.

ClinVar aggregate classification (germline): Pathogenic/Likely pathogenic. Review status: criteria provided, multiple submitters, no conflicts (2 of 4 stars). 18 submissions from 18 submitters: Pathogenic (14); Likely pathogenic (2). 2 of the submissions do not count toward it. Last evaluated 2026-08-01.
ClinVar aggregate classification (somatic clinical impact): Tier I - Strong (1 of 4 stars; one submission).

Conditions:
Inborn errors of metabolism. Also called: Inborn error of metabolism. Identifiers: Orphanet 68367, MedGen C0025521, MONDO:0019052.
PTPN11-related disorder. Also called: PTPN11-Related Disorders.
Cardiovascular phenotype. Identifiers: MedGen CN230736.
LEOPARD syndrome 1 (LPRD1). Also called: PTPN11-Related LEOPARD Syndrome; LENTIGINOSIS, CARDIOMYOPATHIC; MULTIPLE LENTIGINES SYNDROME. Identifiers: Orphanet 500, MedGen C4551484, MONDO:0100082, OMIM 151100.
Juvenile myelomonocytic leukemia (JMML). Also called: LEUKEMIA, JUVENILE MYELOMONOCYTIC, SOMATIC. Identifiers: Orphanet 86834, MedGen C0349639, MONDO:0011908, OMIM 607785, HP:0012209.
Noonan syndrome 1 (NS1). Also called: PTPN11-Related Noonan Syndrome; FEMALE PSEUDO-TURNER SYNDROME; TURNER PHENOTYPE WITH NORMAL KARYOTYPE. Identifiers: Orphanet 648, MedGen C4551602, MONDO:0008104, OMIM 163950. Disease mechanism: gain of function.
Metachondromatosis (METCDS). Identifiers: Orphanet 2499, MedGen C0410530, MONDO:0007979, OMIM 156250.
RASopathy. Also called: rasopathies; Noonan spectrum disorder. Identifiers: Orphanet 536391, MedGen C5555857, MONDO:0021060.
Embryonal rhabdomyosarcoma (ERMS). Also called: Botryoid rhabdomyosarcoma (type of ERMS); Spindle cell rhabdomyosarcomas (type of ERMS). Identifiers: Orphanet 99757, MedGen C0206656, MONDO:0009993, HP:0006743.

Allele frequency attached by ClinVar (database versions not stated): gnomAD exomes below 0.00001 and 0.00001; TOPMed 0.00001; ExAC 0.00001.
gnomAD v4.1: 14 of 1,614,226 alleles (0.00087%); highest among the groups gnomAD compares: East Asian, 0.0022%; no homozygotes.

Submissions 1 to 10 of 19:

CeGaT Center for Human Genetics Tuebingen
Classification: Pathogenic. Last evaluated: 2026-08-01. Review status: criteria provided, single submitter. Criteria: CeGaT Center For Human Genetics Tuebingen Variant Classification Criteria Version 2. Collection method: clinical testing. Allele origin: germline. Affected: yes. Observed: 4 variant alleles.
Comment: PTPN11: PM1, PM2, PM5, PM6, PS4:Moderate, PP2, PP3

Dasa
Classification: Pathogenic. Last evaluated: 2026-03-21. Review status: criteria provided, single submitter. Criteria: DASA Assertion Criteria. Collection method: clinical testing. Allele origin: germline.
Comment: NM_002834.5(PTPN11):c.1529A>G (p.Gln510Arg) is a missense variant that results in the substitution of glutamine with arginine. The affected residue or protein region has prior evidence supporting clinical relevance. De novo occurrence has been reported in an individual with related phenotype. This variant has been recurrently observed in individuals with related phenotype (PMID: 24939587; PMID: 37302266; PMID: 35979676; PMID: 26817465). Multiple computational predictions support a deleterious effect on the gene or gene product. The variant is present at low frequency in population datasets. Based on the available data, this variant is classified as pathogenic.

Variantyx, Inc.
Classification: Pathogenic for Noonan syndrome 1. Last evaluated: 2026-01-13. Review status: criteria provided, single submitter. Criteria: Variantyx Assertion Criteria 2022. Collection method: clinical testing. Allele origin: de novo. Inheritance: Autosomal dominant inheritance. Affected: yes.
Comment: This is a nonsynonymous variant in the PTPN11 gene (OMIM: 176876). Pathogenic variants in this gene have been associated with autosomal dominant Noonan syndrome 1. This variant has been reported in many unrelated affected individuals (PMID: 26817465, 34704406, 38515811, 15889278) (PS4_Very_Strong). It likely occurred de novo in previous internal cases; however, the possibility of parental germline mosaicism cannot be excluded (PS2_Supporting). Multiple computational algorithms predict a deleterious effect for this variant (REVEL score: 0.959) (PP3), and alternate amino acid changes at this position (p.Gln510Pro, p.Gln510His) have been previously reported in similarly affected individuals, which suggests that this residue is biologically important (PM5_Strong). This variant has a 0.0022% maximum allele frequency in non-founder control populations. Based on the evidence, this variant is classified as pathogenic for autosomal dominant Noonan syndrome 1. Inheritance from an unaffected or mildly affected parent has been reported, consistent with incomplete penetrance and variable expressivity (PMID: 20301303, 32765928).

Labcorp Genetics (formerly Invitae), Labcorp
Classification: Pathogenic for RASopathy. Last evaluated: 2025-12-24. Review status: criteria provided, single submitter. Criteria: Invitae Variant Classification Sherloc (09022015). Collection method: clinical testing. Allele origin: germline.
Comment: This sequence change replaces glutamine, which is neutral and polar, with arginine, which is basic and polar, at codon 510 of the PTPN11 protein (p.Gln510Arg). This variant is present in population databases (rs121918470, gnomAD 0.003%). This missense change has been observed in individuals with PTPN11-related conditions (PMID: 15948193, 24775816). ClinVar contains an entry for this variant (Variation ID: 13345). Invitae Evidence Modeling of protein sequence and biophysical properties (such as structural, functional, and spatial information, amino acid conservation, physicochemical variation, residue mobility, and thermodynamic stability) indicates that this missense variant is expected to disrupt PTPN11 protein function with a positive predictive value of 95%. This variant disrupts the p.Gln510 amino acid residue in PTPN11. Other variant(s) that disrupt this residue have been determined to be pathogenic (PMID: 15520399, 15690106, 19582499). This suggests that this residue is clinically significant, and that variants that disrupt this residue are likely to be disease-causing. For these reasons, this variant has been classified as Pathogenic.

North West Genomic Laboratory Hub, Manchester University NHS Foundation Trust
Classification: Pathogenic for Inborn error of metabolism. Last evaluated: 2025-02-27. Review status: criteria provided, single submitter. Criteria: ACGS Best Practice Guidelines for Variant Classification in Rare Disease 2024. Collection method: clinical testing. Allele origin: germline. Affected: yes.
Comment: PP3_Supp PP2_Supp PS4_Mod PS2_Str PM5_Mod

Center of Human Genetics, Hôpital Erasme
Classification: Likely pathogenic for Noonan syndrome 1. Last evaluated: 2025-01-01. Review status: criteria provided, single submitter. Criteria: ACMG Guidelines, 2015. Collection method: clinical testing. Allele origin: inherited. Affected: yes.

Blueprint Genetics
Classification: Pathogenic for PTPN11-related disorders. Last evaluated: 2024-11-19. Review status: criteria provided, single submitter. Criteria: ACMG Guidelines, 2015. Collection method: clinical testing. Allele origin: de novo. Affected: yes. Observed: 3 variant alleles.

Ambry Genetics
Classification: Pathogenic for Cardiovascular phenotype. Last evaluated: 2024-09-19. Review status: criteria provided, single submitter. Criteria: Ambry Variant Classification Scheme 2023. Collection method: clinical testing. Allele origin: germline.
Comment: The c.1529A>G (p.Q510R) alteration is located in exon 13 (coding exon 13) of the PTPN11 gene. This alteration results from a A to G substitution at nucleotide position 1529, causing the glutamine (Q) at amino acid position 510 to be replaced by an arginine (R). for PTPN11-related RASopathy; however, its clinical significance for metachondromatosis is uncertain Based on data from gnomAD, the G allele has an overall frequency of <0.001% (1/251492) total alleles studied. The highest observed frequency was 0.003% (1/34592) of Latino alleles. This alteration has been reported in Noonan syndrome cohorts and individuals with concerns for PTPN11-related RASopathy where this alteration arose de novo with some of those individuals also having a dual diagnosis (Bertola, 2005; Ezquieta, 2012; Carcavilla, 2013; D&ouml;cker, 2015; Atik, 2016; Rold&aacute;n-Sevilla, 2019; Mutai, 2022; Swarts, 2022). Two other alterations at the same codon, p.Q510H (c.1530G>C) and p.Q510E (c.1528C>G), have been detected in multiple individuals with PTPN11-related RASopathy (Takahashi, 2005; Wakabayashi, 2011; Chen, 2019; Chinton, 2019; Kauffman, 2021). This amino acid position is highly conserved in available vertebrate species. This alteration is predicted to be deleterious by in silico analysis. Based on the available evidence, this alteration is classified as pathogenic.

Institute for Genomic Medicine (IGM) Clinical Laboratory, Nationwide Children's Hospital
Classification: Tier I - Strong for Embryonal rhabdomyosarcoma. Assertion type: diagnostic. Clinical significance: supports diagnosis. Last evaluated: 2024-05-16. Review status: criteria provided, single submitter. Criteria: AMP/ASCO/CAP Guidelines, 2017. Collection method: clinical testing. Allele origin: somatic. Affected: yes.
Comment: Variant has Tier I (strong) clinical significance as a diagnostic inclusion criterion in embryonal rhabdomyosarcoma, based on the following evidence: 1) Documented in one or more cancer databases (e.g., St. Jude Pecan, COSMIC, CIViC, OncoKB). 2) Information in the literature supports potential biologic effect of variant (PMIDs: 22058153, 21803945). 3) Diagnostic for a specific tumor type/classification based on well-powered studies with expert-level consensus (Evidence Level B; PMIDs: 24436047, 34166060, 26138366, 16518851, 19681119, 22142829).

MVZ Medizinische Genetik Mainz
Classification: Pathogenic for Noonan syndrome 1. Last evaluated: 2024-03-05. Review status: criteria provided, single submitter. Criteria: UK Practice Guidelines For Variant Classification V4 01 2020. Collection method: clinical testing. Allele origin: germline. Inheritance: Autosomal dominant inheritance. Affected: yes. Observed: 1 variant allele.
Comment: ACMG Criteria: PS4,PP3_STR,PM5,PM6,PM1_SUP,PP2